The following is an entry in ClinVar:

ClinVar aggregate classification (germline): Likely benign. Review status: criteria provided, single submitter (1 of 4 stars). 2 submissions from 2 submitters: Likely benign (1). 1 of the submissions does not count toward it. Last evaluated 2025-10-11.

Conditions:
PHIP-related disorder. Also called: PHIP-related condition; PHIP-related disorders.

gnomAD v4.1: 5 of 1,585,474 alleles (0.00032%); highest among the groups gnomAD compares: Admixed American, 0.0086%; no homozygotes.

Submissions (2):

Labcorp Genetics (formerly Invitae), Labcorp
Classification: Likely benign. Last evaluated: 2025-10-11. Review status: criteria provided, single submitter. Criteria: Invitae Variant Classification Sherloc (09022015). Collection method: clinical testing. Allele origin: germline.

PreventionGenetics, part of Exact Sciences
Classification: Likely benign for PHIP-related condition. Last evaluated: 2022-05-05. Review status: no assertion criteria provided. Collection method: clinical testing. Allele origin: germline. Not counted in ClinVar's aggregate classification.
Comment: This variant is classified as likely benign based on ACMG/AMP sequence variant interpretation guidelines (Richards et al. 2015 PMID: 25741868, with internal and published modifications).

NM_017934.7(PHIP):c.1096-4A>G

Gene: PHIP (PHIP subunit of CUL4-Ring ligase complex; minus strand). Cytogenetic location: 6q14.1.
Variant type: single nucleotide variant.
Coding change: c.1096-4A>G on transcript NM_017934.7 (MANE Select); 4 bases into the intron before coding-DNA position 1096, A replaced by G.
Molecular consequence: intron variant.
Genome position (GRCh38, 1-based): chr6:79,017,390, T>C on the plus strand (A>G on the coding strand, the complement: PHIP is on the minus strand). VCF-style: chr6-79017390-T-C. GRCh37 (hg19) VCF-style: chr6-79727107-T-C.
Identifiers: ClinVar variation 3357902 (VCV003357902.2).